The following is an entry in ClinVar:

NM_001127222.2(CACNA1A):c.3039C>A (p.Tyr1013Ter)

Gene: CACNA1A (calcium voltage-gated channel subunit alpha1 A; minus strand). Cytogenetic location: 19p13.13.
Variant type: single nucleotide variant.
Coding change: c.3039C>A on transcript NM_001127222.2 (MANE Select); coding-DNA position 3039, C replaced by A.
Protein change: p.Tyr1013Ter; replaces tyrosine 1013 with a stop codon.
Molecular consequence: nonsense.
Genome position (GRCh38, 1-based): chr19:13,298,594, G>T on the plus strand (C>A on the coding strand, the complement: CACNA1A is on the minus strand). VCF-style: chr19-13298594-G-T. GRCh37 (hg19) VCF-style: chr19-13409408-G-T.
Other names: c.3051C>A, p.Tyr1017Ter (NM_000068.4, NM_023035.3); c.3042C>A, p.Tyr1014Ter (NM_001127221.2, NM_001174080.2); short protein forms Y1014*, Y1017*, Y1013*.
Identifiers: ClinVar variation 620394 (VCV000620394.3), dbSNP rs1568507151, ClinGen allele CA404342199.

ClinVar aggregate classification (germline): Pathogenic (1 of 4 stars; one submission).

Submission:

GeneDx
Classification: Pathogenic. Last evaluated: 2020-01-19. Review status: criteria provided, single submitter. Criteria: GeneDx Variant Classification Process June 2021. Collection method: clinical testing. Allele origin: germline. Affected: yes.
Comment: Nonsense variant predicted to result in protein truncation or nonsense mediated decay in a gene for which loss-of-function is a known mechanism of disease; Not observed in large population cohorts (Lek et al., 2016); Has not been previously published as pathogenic or benign to our knowledge